The following is an entry in ClinVar:

ClinVar aggregate classification (germline): Benign/Likely benign. Review status: criteria provided, multiple submitters, no conflicts (2 of 4 stars). 4 submissions from 4 submitters: Benign (1); Likely benign (3). Last evaluated 2024-06-14.

Conditions:
Hereditary cancer-predisposing syndrome. Also called: Tumor predisposition; Hereditary Cancer Syndrome; Neoplastic Syndromes, Hereditary; Hereditary neoplastic syndrome. Identifiers: Orphanet 140162, MedGen C0027672, MeSH D009386, MONDO:0015356.
Familial cancer of breast. Also called: Hereditary breast cancer; hereditary breast carcinoma; BREAST CANCER, FAMILIAL. Identifiers: Orphanet 227535, MedGen C0346153, MONDO:0016419, OMIM 114480. Disease mechanism: loss of function.
Ataxia-telangiectasia syndrome (AT). Also called: Cerebello-oculocutaneous telangiectasia; Immunodeficiency with ataxia telangiectasia; Ataxia-telangiectasia, complementation group D; AT, COMPLEMENTATION GROUP C; Ataxia-telangiectasia, complementation group E; LOUIS-BAR SYNDROME. Identifiers: Orphanet 100, MedGen C0004135, MONDO:0008840, OMIM 208900.

Submissions (4):

Labcorp Genetics (formerly Invitae), Labcorp
Classification: Likely benign for Ataxia-telangiectasia syndrome. Last evaluated: 2024-06-14. Review status: criteria provided, single submitter. Criteria: Invitae Variant Classification Sherloc (09022015). Collection method: clinical testing. Allele origin: germline.

Myriad Genetics, Inc.
Classification: Benign for Familial cancer of breast. Last evaluated: 2024-05-13. Review status: criteria provided, single submitter. Criteria: Myriad Autosomal Dominant, Autosomal Recessive and X-Linked Classification Criteria (2023). Collection method: clinical testing. Allele origin: unknown.
Comment: This variant is considered benign. This variant is a silent/synonymous amino acid change and it is not expected to impact splicing.

Color Diagnostics, LLC DBA Color Health
Classification: Likely benign for Hereditary cancer-predisposing syndrome. Last evaluated: 2017-07-24. Review status: criteria provided, single submitter. Criteria: ACMG Guidelines, 2015. Collection method: clinical testing. Allele origin: germline.

Ambry Genetics
Classification: Likely benign for Hereditary cancer-predisposing syndrome. Last evaluated: 2017-07-10. Review status: criteria provided, single submitter. Criteria: Ambry Variant Classification Scheme 2023. Collection method: clinical testing. Allele origin: germline.

NM_000051.4(ATM):c.3204T>C (p.Phe1068=)

Gene: ATM (ATM serine/threonine kinase; plus strand). Cytogenetic location: 11q22.3.
Variant type: single nucleotide variant.
Coding change: c.3204T>C on transcript NM_000051.4 (MANE Select); coding-DNA position 3204, T replaced by C.
Protein change: p.Phe1068=; no amino-acid change (phenylalanine 1068 retained).
Molecular consequence: synonymous variant.
Genome position (GRCh38, 1-based): chr11:108,272,772, T>C. VCF-style: chr11-108272772-T-C. GRCh37 (hg19) VCF-style: chr11-108143499-T-C.
Other names: c.3204T>C, p.Phe1068= (NM_001351834.2).
Identifiers: ClinVar variation 453452 (VCV000453452.16), dbSNP rs1555086059, ClinGen allele CA476745101.